The following is an entry in ClinVar:

NM_012186.3(FOXE3):c.173G>A (p.Gly58Asp)

Genes: FOXE3 (forkhead box E3; plus strand), LINC01389 (long intergenic non-protein coding RNA 1389; minus strand). Cytogenetic location: 1p33.
Variant type: single nucleotide variant.
Coding change: c.173G>A on transcript NM_012186.3 (MANE Select); coding-DNA position 173, G replaced by A.
Protein change: p.Gly58Asp; replaces glycine 58 with aspartic acid.
Molecular consequence: missense variant.
Genome position (GRCh38, 1-based): chr1:47,416,488, G>A. VCF-style: chr1-47416488-G-A. GRCh37 (hg19) VCF-style: chr1-47882160-G-A.
Other names: short protein forms G58D.
Identifiers: ClinVar variation 1779170 (VCV001779170.2), dbSNP rs2521316145, ClinGen allele CA340249178.

ClinVar aggregate classification (germline): Uncertain significance (1 of 4 stars; one submission).

Conditions:
Cardiovascular phenotype. Identifiers: MedGen CN230736.

Submission:

Ambry Genetics
Classification: Uncertain significance for Cardiovascular phenotype. Last evaluated: 2021-12-03. Review status: criteria provided, single submitter. Criteria: Ambry Variant Classification Scheme 2023. Collection method: clinical testing. Allele origin: germline.
Comment: The p.G58D variant (also known as c.173G>A), located in coding exon 1 of the FOXE3 gene, results from a G to A substitution at nucleotide position 173. The glycine at codon 58 is replaced by aspartic acid, an amino acid with similar properties. This amino acid position is conserved. In addition, the in silico prediction for this alteration is inconclusive. Since supporting evidence is limited at this time, the clinical significance of this alteration remains unclear.